The following is an entry in ClinVar:

NM_000091.5(COL4A3):c.3516G>A (p.Thr1172=)

Genes: COL4A3 (collagen type IV alpha 3 chain; plus strand), MFF-DT (MFF divergent transcript; minus strand). Cytogenetic location: 2q36.3.
Variant type: single nucleotide variant.
Coding change: c.3516G>A on transcript NM_000091.5 (MANE Select); coding-DNA position 3516, G replaced by A.
Protein change: p.Thr1172=; no amino-acid change (threonine 1172 retained).
Molecular consequence: synonymous variant.
Genome position (GRCh38, 1-based): chr2:227,295,061, G>A. VCF-style: chr2-227295061-G-A. GRCh37 (hg19) VCF-style: chr2-228159777-G-A.
Identifiers: ClinVar variation 857262 (VCV000857262.6), dbSNP rs758035504, ClinGen allele CA2147265.

ClinVar aggregate classification (germline): Uncertain significance. Review status: criteria provided, single submitter (1 of 4 stars). 2 submissions from 2 submitters: Uncertain significance (1). 1 of the submissions does not count toward it. Last evaluated 2020-09-30.

Conditions:
Alport syndrome. Also called: Hemorrhagic familial nephritis; Hemorrhagic hereditary nephritis; Congenital hereditary hematuria. Identifiers: Orphanet 63, MedGen C1567741, MONDO:0018965.

Allele frequency attached by ClinVar (database versions not stated): gnomAD exomes below 0.00001 and 0.00001; TOPMed below 0.00001; gnomAD 0.00001; ExAC 0.00002.

Submissions (2):

Labcorp Genetics (formerly Invitae), Labcorp
Classification: Uncertain significance. Last evaluated: 2020-09-30. Review status: criteria provided, single submitter. Criteria: Invitae Variant Classification Sherloc (09022015). Collection method: clinical testing. Allele origin: germline.
Comment: This sequence change affects codon 1172 of the COL4A3 mRNA. It is a 'silent' change, meaning that it does not change the encoded amino acid sequence of the COL4A3 protein. This variant is present in population databases (rs758035504, ExAC 0.006%). This variant has not been reported in the literature in individuals with COL4A3-related conditions. Algorithms developed to predict the effect of sequence changes on RNA splicing suggest that this variant is not likely to affect RNA splicing, but this prediction has not been confirmed by published transcriptional studies. In summary, the available evidence is currently insufficient to determine the role of this variant in disease. Therefore, it has been classified as a Variant of Uncertain Significance.

Natera, Inc.
Classification: Uncertain significance for Alport syndrome. Last evaluated: 2021-06-19. Review status: no assertion criteria provided. Collection method: clinical testing. Allele origin: germline. Not counted in ClinVar's aggregate classification.